The following is an entry in ClinVar:

NM_006904.7(PRKDC):c.3676G>T (p.Gly1226Trp)

Gene: PRKDC (protein kinase, DNA-activated, catalytic subunit; minus strand). Cytogenetic location: 8q11.21.
Variant type: single nucleotide variant.
Coding change: c.3676G>T on transcript NM_006904.7 (MANE Select); coding-DNA position 3676, G replaced by T.
Protein change: p.Gly1226Trp; replaces glycine 1226 with tryptophan.
Molecular consequence: missense variant.
Genome position (GRCh38, 1-based): chr8:47,893,310, C>A on the plus strand (G>T on the coding strand, the complement: PRKDC is on the minus strand). VCF-style: chr8-47893310-C-A. GRCh37 (hg19) VCF-style: chr8-48805870-C-A.
Other names: c.3676G>T, p.Gly1226Trp (NM_001081640.2); short protein forms G1226W.
Identifiers: ClinVar variation 1733838 (VCV001733838.2), dbSNP rs761126676, ClinGen allele CA176152497.

ClinVar aggregate classification (germline): Uncertain significance (1 of 4 stars; one submission).

gnomAD v4.1: 1 of 1,603,606 alleles (0.000062%); highest among the groups gnomAD compares: Non-Finnish European, 0.000085%; no homozygotes.

Submission:

Ambry Genetics
Classification: Uncertain significance. Last evaluated: 2022-04-06. Review status: criteria provided, single submitter. Criteria: Ambry Variant Classification Scheme 2023. Collection method: clinical testing. Allele origin: germline.
Comment: The p.G1226W variant (also known as c.3676G>T), located in coding exon 31 of the PRKDC gene, results from a G to T substitution at nucleotide position 3676. The glycine at codon 1226 is replaced by tryptophan, an amino acid with highly dissimilar properties. This amino acid position is conserved. In addition, the in silico prediction for this alteration is inconclusive. Since supporting evidence is limited at this time, the clinical significance of this alteration remains unclear.